The following is an entry in ClinVar:

ClinVar aggregate classification (germline): Likely benign (1 of 4 stars; one submission).

gnomAD v4.1: 52 of 1,614,164 alleles (0.0032%); highest among the groups gnomAD compares: African/African-American, 0.017%; no homozygotes.

Submission:

CeGaT Center for Human Genetics Tuebingen
Classification: Likely benign. Last evaluated: 2025-03-01. Review status: criteria provided, single submitter. Criteria: CeGaT Center For Human Genetics Tuebingen Variant Classification Criteria Version 2. Collection method: clinical testing. Allele origin: germline. Affected: yes. Observed: 1 variant allele.
Comment: CDH11: BP4, BP7

NM_001797.4(CDH11):c.345G>A (p.Thr115=)

Gene: CDH11 (cadherin 11; minus strand). Cytogenetic location: 16q21.
Variant type: single nucleotide variant.
Coding change: c.345G>A on transcript NM_001797.4 (MANE Select); coding-DNA position 345, G replaced by A.
Protein change: p.Thr115=; no amino-acid change (threonine 115 retained).
Molecular consequence: synonymous variant. On other transcripts: 5 prime UTR variant (1).
Genome position (GRCh38, 1-based): chr16:64,998,740, C>T on the plus strand (G>A on the coding strand, the complement: CDH11 is on the minus strand). VCF-style: chr16-64998740-C-T. GRCh37 (hg19) VCF-style: chr16-65032643-C-T.
Other names: c.345G>A, p.Thr115= (NM_001308392.2); c.-34G>A (NM_001330576.2).
Identifiers: ClinVar variation 3777922 (VCV003777922.7).